The following is an entry in ClinVar:

NM_000302.4(PLOD1):c.200A>G (p.Glu67Gly)

Gene: PLOD1 (procollagen-lysine,2-oxoglutarate 5-dioxygenase 1; plus strand). Cytogenetic location: 1p36.22.
Variant type: single nucleotide variant.
Coding change: c.200A>G on transcript NM_000302.4 (MANE Select); coding-DNA position 200, A replaced by G.
Protein change: p.Glu67Gly; replaces glutamic acid 67 with glycine.
Molecular consequence: missense variant.
Genome position (GRCh38, 1-based): chr1:11,949,804, A>G. VCF-style: chr1-11949804-A-G. GRCh37 (hg19) VCF-style: chr1-12009861-A-G.
Other names: c.341A>G, p.Glu114Gly (NM_001316320.2); short protein forms E114G, E67G.
Identifiers: ClinVar variation 1784376 (VCV001784376.4), dbSNP rs756553633, ClinGen allele CA597834.

ClinVar aggregate classification (germline): Conflicting classifications of pathogenicity. Review status: criteria provided, conflicting classifications (1 of 4 stars). 3 submissions from 3 submitters: Uncertain significance (2); Likely benign (1). Last evaluated 2026-06-26.

Conditions:
Familial thoracic aortic aneurysm and aortic dissection (TAAD). Also called: Thoracic aortic aneurysms and dissections. Identifiers: Orphanet 91387, MedGen C4707243, MONDO:0019625.
Ehlers-Danlos syndrome, kyphoscoliotic type 1 (EDSKSCL1). Also called: EHLERS-DANLOS SYNDROME, TYPE VIA; Ehlers-Danlos syndrome, hydroxylysine-deficient; EHLERS-DANLOS SYNDROME, OCULAR-SCOLIOTIC TYPE; PLOD1-Related Kyphoscoliotic Ehlers-Danlos Syndrome. Identifiers: Orphanet 1900, MedGen C0268342, MONDO:0016002, OMIM 225400. Disease mechanism: loss of function.

Allele frequency attached by ClinVar (database versions not stated): gnomAD 0.00001; TOPMed 0.00002; ExAC 0.00004; gnomAD exomes 0.00004.
gnomAD v4.1: 65 of 1,613,878 alleles (0.004%); highest among the groups gnomAD compares: Non-Finnish European, 0.0049%; no homozygotes.

Submissions (3):

Women's Health and Genetics/Laboratory Corporation of America, LabCorp
Classification: Uncertain significance. Last evaluated: 2026-06-26. Review status: criteria provided, single submitter. Criteria: LabCorp Variant Classification Summary - May 2015. Collection method: clinical testing. Allele origin: germline.

Labcorp Genetics (formerly Invitae), Labcorp
Classification: Uncertain significance for Ehlers-Danlos syndrome, kyphoscoliotic type 1. Last evaluated: 2024-06-04. Review status: criteria provided, single submitter. Criteria: Invitae Variant Classification Sherloc (09022015). Collection method: clinical testing. Allele origin: germline.
Comment: This sequence change replaces glutamic acid, which is acidic and polar, with glycine, which is neutral and non-polar, at codon 67 of the PLOD1 protein (p.Glu67Gly). This variant is present in population databases (rs756553633, gnomAD 0.009%). This variant has not been reported in the literature in individuals affected with PLOD1-related conditions. ClinVar contains an entry for this variant (Variation ID: 1784376). Advanced modeling of protein sequence and biophysical properties (such as structural, functional, and spatial information, amino acid conservation, physicochemical variation, residue mobility, and thermodynamic stability) performed at Invitae indicates that this missense variant is not expected to disrupt PLOD1 protein function with a negative predictive value of 80%. In summary, the available evidence is currently insufficient to determine the role of this variant in disease. Therefore, it has been classified as a Variant of Uncertain Significance.

Ambry Genetics
Classification: Likely benign for Familial thoracic aortic aneurysm and aortic dissection. Last evaluated: 2020-10-12. Review status: criteria provided, single submitter. Criteria: Ambry Variant Classification Scheme 2023. Collection method: clinical testing. Allele origin: germline.